The following is an entry in ClinVar:

ClinVar aggregate classification (germline): Pathogenic (1 of 4 stars; one submission).

Conditions:
Merosin deficient congenital muscular dystrophy (MDC1A). Also called: Congenital merosin-deficient muscular dystrophy 1A; Congenital Muscular Dystrophy Type 1A (MDC1A). Identifiers: Orphanet 258, MedGen C1263858, MONDO:0011925, OMIM 607855.

Submission:

3billion
Classification: Pathogenic for Merosin deficient congenital muscular dystrophy. Last evaluated: 2023-07-29. Review status: criteria provided, single submitter. Criteria: ACMG Guidelines, 2015. Collection method: clinical testing. Allele origin: germline. Affected: yes.
Comment: The variant is not observed in the gnomAD v2.1.1 dataset. Predicted Consequence/Location: Frameshift: predicted to result in a loss or disruption of normal protein function through nonsense-mediated decay (NMD) or protein truncation. Multiple pathogenic variants are reported downstream of the variant. Therefore, this variant is classified as Likely pathogenic according to the recommendation of ACMG/AMP guideline.

NM_000426.4(LAMA2):c.7021_7028dup (p.Phe2343fs)

Gene: LAMA2 (laminin subunit alpha 2; plus strand). Cytogenetic location: 6q22.33.
Variant type: Duplication.
Coding change: c.7021_7028dup on transcript NM_000426.4 (MANE Select); coding-DNA positions 7021 to 7028, 8 bases duplicated (ATTCAATT; older notation c.7021_7028dupATTCAATT).
Protein change: p.Phe2343fs; shifts the reading frame from phenylalanine 2343.
Molecular consequence: frameshift variant.
Genome position (GRCh38, 1-based): chr6:129,464,318-129,464,325, ATTCAATT duplicated; duplicating any 8 consecutive bases within chr6:129,464,317-129,464,325 gives the same sequence; the c. name uses the placement nearest the transcript's 3' end. VCF-style (leftmost placement, unchanged base first): chr6-129464316-C-CTATTCAAT. GRCh37 (hg19) VCF-style: chr6-129785461-C-CTATTCAAT.
Other names: c.7021_7028dup, p.Phe2343fs (NM_001079823.2); short protein forms F2343fs.
Identifiers: ClinVar variation 3775804 (VCV003775804.1).